The following is an entry in ClinVar:

ClinVar aggregate classification (germline): Uncertain significance (1 of 4 stars; one submission).

Conditions:
Early Myoclonic Encephalopathy. Identifiers: MedGen C0270855.

Allele frequency attached by ClinVar (database versions not stated): gnomAD 0.00001; TOPMed 0.00002.

Submission:

Labcorp Genetics (formerly Invitae), Labcorp
Classification: Uncertain significance for Early Myoclonic Encephalopathy. Last evaluated: 2025-08-18. Review status: criteria provided, single submitter. Criteria: Invitae Variant Classification Sherloc (09022015). Collection method: clinical testing. Allele origin: germline.
Comment: This sequence change replaces alanine, which is neutral and non-polar, with glycine, which is neutral and non-polar, at codon 294 of the JMJD1C protein (p.Ala294Gly). This variant is not present in population databases (gnomAD no frequency). This variant has not been reported in the literature in individuals affected with JMJD1C-related conditions. ClinVar contains an entry for this variant (Variation ID: 1039677). An algorithm developed to predict the effect of missense changes on protein structure and function (PolyPhen-2) suggests that this variant is likely to be tolerated. In summary, the available evidence is currently insufficient to determine the role of this variant in disease. Therefore, it has been classified as a Variant of Uncertain Significance.

NM_032776.3(JMJD1C):c.881C>G (p.Ala294Gly)

Gene: JMJD1C (jumonji domain containing 1C; minus strand). Cytogenetic location: 10q21.3.
Variant type: single nucleotide variant.
Coding change: c.881C>G on transcript NM_032776.3 (MANE Select); coding-DNA position 881, C replaced by G.
Protein change: p.Ala294Gly; replaces alanine 294 with glycine.
Molecular consequence: missense variant. On other transcripts: non-coding transcript variant (1).
Genome position (GRCh38, 1-based): chr10:63,215,397, G>C on the plus strand (C>G on the coding strand, the complement: JMJD1C is on the minus strand). VCF-style: chr10-63215397-G-C. GRCh37 (hg19) VCF-style: chr10-64975157-G-C.
Other names: c.335C>G, p.Ala112Gly (NM_001282948.2, NM_001318154.2); c.17C>G, p.Ala6Gly (NM_001318153.2); c.767C>G, p.Ala256Gly (NM_001322252.2); c.224C>G, p.Ala75Gly (NM_001322254.2, NM_001322258.2); short protein forms A112G, A294G, A6G, A75G, A256G.
Identifiers: ClinVar variation 1039677 (VCV001039677.8), dbSNP rs1001168522, ClinGen allele CA208377670.